The following is an entry in ClinVar:

ClinVar aggregate classification (germline): Likely benign (1 of 4 stars; one submission).

Submission:

CeGaT Center for Human Genetics Tuebingen
Classification: Likely benign. Last evaluated: 2026-05-01. Review status: criteria provided, single submitter. Criteria: CeGaT Center For Human Genetics Tuebingen Variant Classification Criteria Version 2. Collection method: clinical testing. Allele origin: germline. Affected: yes. Observed: 1 variant allele.
Comment: KANK1: BP4

NM_015158.5(KANK1):c.3201G>A (p.Met1067Ile)

Gene: KANK1 (KN motif and ankyrin repeat domains 1; plus strand). Cytogenetic location: 9p24.3.
Variant type: single nucleotide variant.
Coding change: c.3201G>A on transcript NM_015158.5 (MANE Select); coding-DNA position 3201, G replaced by A.
Protein change: p.Met1067Ile; replaces methionine 1067 with isoleucine.
Molecular consequence: missense variant. On other transcripts: intron variant (6).
Genome position (GRCh38, 1-based): chr9:732,573, G>A. VCF-style: chr9-732573-G-A. GRCh37 (hg19) VCF-style: chr9-732573-G-A.
Other names: c.3201G>A, p.Met1067Ile (NM_001256876.3, NM_001256877.3, NM_001354334.2 and 1 more transcripts); c.3147G>A, p.Met1049Ile (NM_001354332.2); c.2727G>A, p.Met909Ile (NM_001354333.2, NM_001354335.2, NM_001354337.2 and 2 more transcripts); c.2673G>A, p.Met891Ile (NM_001354338.2, NM_001354340.2, NM_001354344.2); c.3005+1307G>A (NM_001354331.2); c.2477+1307G>A (NM_001354336.2, NM_001438411.1); c.2531+1307G>A (NM_001354339.2, NM_001354343.2, NM_001354342.2); short protein forms M1049I, M1067I, M891I, M909I.
Identifiers: ClinVar variation 4873630 (VCV004873630.2).